The following is an entry in ClinVar:

ClinVar aggregate classification (germline): Likely benign. Review status: criteria provided, multiple submitters, no conflicts (2 of 4 stars). 2 submissions from 2 submitters: Likely benign (2). Last evaluated 2018-06-14.

Allele frequency attached by ClinVar (database versions not stated): 1000 Genomes Project 0.01697; 1000 Genomes Project 30x 0.01702; TOPMed 0.03456; gnomAD 0.03619 and 0.03655; gnomAD exomes 0.04489.
gnomAD v4.1: 28,881 of 670,864 alleles (4.3%); highest among the groups gnomAD compares: Middle Eastern, 6.4%; 812 homozygotes.

Submissions (2):

GeneDx
Classification: Likely benign. Last evaluated: 2018-06-14. Review status: criteria provided, single submitter. Criteria: GeneDx Variant Classification (06012015). Collection method: clinical testing. Allele origin: germline. Affected: yes.
Comment: This variant is considered likely benign or benign based on one or more of the following criteria: it is a conservative change, it occurs at a poorly conserved position in the protein, it is predicted to be benign by multiple in silico algorithms, and/or has population frequency not consistent with disease.

Breakthrough Genomics
Classification: Likely benign. Review status: criteria provided, single submitter. Criteria: ACMG Guidelines, 2015. Collection method: not provided. Allele origin: germline. Inheritance: Autosomal recessive inheritance. Affected: yes.

NM_001379210.1(SLC25A26):c.569-142A>T

Gene: SLC25A26 (solute carrier family 25 member 26; plus strand). Cytogenetic location: 3p14.1.
Variant type: single nucleotide variant.
Coding change: c.569-142A>T on transcript NM_001379210.1 (MANE Select); 142 bases into the intron before coding-DNA position 569, A replaced by T.
Molecular consequence: intron variant.
Genome position (GRCh38, 1-based): chr3:66,369,336, A>T. VCF-style: chr3-66369336-A-T. GRCh37 (hg19) VCF-style: chr3-66419760-A-T.
Other names: c.569-142A>T (NM_173471.4); c.305-142A>T (NM_001350993.1, NM_001164796.1).
Identifiers: ClinVar variation 671094 (VCV000671094.2), dbSNP rs17044375, ClinGen allele CA76438763.